The following is an entry in ClinVar:

ClinVar aggregate classification (germline): Uncertain significance (1 of 4 stars; one submission).

Conditions:
POLG-related disorder. Also called: POLG-Related Spectrum Disorders; POLG-related condition; POLG-Related Disorders. Identifiers: MedGen C4763519.

Submission:

PreventionGenetics, part of Exact Sciences
Classification: Uncertain significance for POLG-related condition. Last evaluated: 2025-05-28. Review status: criteria provided, single submitter. Criteria: ACMG Guidelines, 2015. Collection method: clinical testing. Allele origin: germline.
Comment: The POLG c.3273+4_3273+28del25 variant is predicted to result in an intronic deletion. To our knowledge, this variant has not been reported in the literature or in a large population database (gnomAD), indicating this variant is rare. At this time, the clinical significance of this variant is uncertain due to the absence of conclusive functional and genetic evidence.

NM_002693.3(POLG):c.3273+4_3273+28del

Gene: POLG (DNA polymerase gamma, catalytic subunit; minus strand). Cytogenetic location: 15q26.1.
Variant type: Deletion.
Coding change: c.3273+4_3273+28del on transcript NM_002693.3 (MANE Select); bases 4 to 28 of the intron after coding-DNA position 3273, 25 bases deleted (TCTTGCTACCTTTGGAGCATGGGCA).
Molecular consequence: intron variant.
Genome position (GRCh38, 1-based): chr15:89,318,903-89,318,927, TGCCCATGCTCCAAAGGTAGCAAGA deleted on the plus strand (TCTTGCTACCTTTGGAGCATGGGCA on the coding strand, the reverse complement: POLG is on the minus strand); deleting any 25 consecutive bases within chr15:89,318,903-89,318,928 gives the same sequence; the c. name uses the placement nearest the transcript's 3' end. VCF-style (leftmost placement, unchanged base first): chr15-89318902-CTGCCCATGCTCCAAAGGTAGCAAGA-C. GRCh37 (hg19) VCF-style: chr15-89862133-CTGCCCATGCTCCAAAGGTAGCAAGA-C.
Other names: c.3273+4_3273+28del (NM_001126131.2).
Identifiers: ClinVar variation 4996908 (VCV004996908.1).